The following is an entry in ClinVar:

ClinVar aggregate classification (germline): Likely benign (1 of 4 stars; one submission).

Conditions:
COL4A1-related disorder. Also called: COL4A1-related condition; COL4A1-related disorders. Identifiers: MedGen CN376119, MONDO:0800461.

Submission:

PreventionGenetics, part of Exact Sciences
Classification: Likely benign for COL4A1-related condition. Last evaluated: 2025-10-13. Review status: criteria provided, single submitter. Criteria: ACMG Guidelines, 2015. Collection method: clinical testing. Allele origin: germline.
Comment: This variant is classified as likely benign based on ACMG/AMP sequence variant interpretation guidelines (Richards et al. 2015 PMID: 25741868, with internal and published modifications).

NM_001845.6(COL4A1):c.3291C>A (p.Gly1097=)

Gene: COL4A1 (collagen type IV alpha 1 chain; minus strand). Cytogenetic location: 13q34.
Variant type: single nucleotide variant.
Coding change: c.3291C>A on transcript NM_001845.6 (MANE Select); coding-DNA position 3291, C replaced by A.
Protein change: p.Gly1097=; no amino-acid change (glycine 1097 retained).
Molecular consequence: synonymous variant.
Genome position (GRCh38, 1-based): chr13:110,174,657, G>T on the plus strand (C>A on the coding strand, the complement: COL4A1 is on the minus strand). VCF-style: chr13-110174657-G-T. GRCh37 (hg19) VCF-style: chr13-110827004-G-T.
Identifiers: ClinVar variation 4985579 (VCV004985579.1).